The following is an entry in ClinVar:

NM_004859.4(CLTC):c.4496T>C (p.Leu1499Ser)

Genes: CLTC (clathrin heavy chain; plus strand), LOC125177523 (Sharpr-MPRA regulatory region 12460; plus strand). Cytogenetic location: 17q23.1.
Variant type: single nucleotide variant.
Coding change: c.4496T>C on transcript NM_004859.4 (MANE Select); coding-DNA position 4496, T replaced by C.
Protein change: p.Leu1499Ser; replaces leucine 1499 with serine.
Molecular consequence: missense variant.
Genome position (GRCh38, 1-based): chr17:59,685,117, T>C. VCF-style: chr17-59685117-T-C. GRCh37 (hg19) VCF-style: chr17-57762478-T-C.
Other names: c.4508T>C, p.Leu1503Ser (NM_001288653.2); short protein forms L1499S, L1503S.
Identifiers: ClinVar variation 4530644 (VCV004530644.1).

ClinVar aggregate classification (germline): Uncertain significance (0 of 4 stars; one submission).

Conditions:
Intellectual developmental disorder, autosomal dominant 56. Also called: MENTAL RETARDATION, AUTOSOMAL DOMINANT 56; Intellectual disability, autosomal dominant 56. Identifiers: MedGen C4693389, MONDO:0030922, OMIM 617854.

Submission:

Diagnostics Centre, Carl Von Ossietzky University Oldenburg
Classification: Uncertain significance for Intellectual developmental disorder, autosomal dominant 56. Last evaluated: 2025-01-20. Review status: no assertion criteria provided. Collection method: clinical testing. Allele origin: germline. Affected: yes. Observed: 1 variant allele.
Comment: The variant CLTC:c.4496T>C p.(Leu1499Ser) which is located in the coding exon 29 of the CLTC gene, results from a thymine to cytosine substitution at nucleotide position c.4496. The leucine residue at protein position 1499 is replaced by a serine. Missense variants in this gene or the affected region are a known disease mechanism and are rare in the general population. The affected protein region has significant levels of missense constrain. In silico tools predict a severe deleterious effect in the protein structure/function (REVEL = 0.77). This variant has not yet been described in ClinVar or any other scientific publication known to us. The variant is classified as very rare since it is absent in gnomAD v4.1.0. In summary, this variant is classified as a variant of unclear significance.